The following is an entry in ClinVar:

NM_001291303.3(FAT4):c.10750C>G (p.Leu3584Val)

Gene: FAT4 (FAT atypical cadherin 4; plus strand). Cytogenetic location: 4q28.1.
Variant type: single nucleotide variant.
Coding change: c.10750C>G on transcript NM_001291303.3 (MANE Select); coding-DNA position 10750, C replaced by G.
Protein change: p.Leu3584Val; replaces leucine 3584 with valine.
Molecular consequence: missense variant.
Genome position (GRCh38, 1-based): chr4:125,451,760, C>G. VCF-style: chr4-125451760-C-G. GRCh37 (hg19) VCF-style: chr4-126372915-C-G.
Other names: c.10750C>G, p.Leu3584Val (NM_001291285.3); c.10744C>G, p.Leu3582Val (NM_024582.6); short protein forms L3582V, L3584V.
Identifiers: ClinVar variation 1303310 (VCV001303310.9), dbSNP rs751277769, ClinGen allele CA104882653.

ClinVar aggregate classification (germline): Uncertain significance. Review status: criteria provided, multiple submitters, no conflicts (2 of 4 stars). 5 submissions from 5 submitters: Uncertain significance (5). Last evaluated 2023-11-27.

Conditions:
Inborn genetic diseases. Identifiers: MedGen C0950123, MeSH D030342.

Allele frequency attached by ClinVar (database versions not stated): gnomAD exomes 0.00002 and 0.00004; TOPMed 0.00002; gnomAD 0.00005 and 0.00006.
gnomAD v4.1: 33 of 1,614,056 alleles (0.002%); highest among the groups gnomAD compares: Admixed American, 0.022%; no homozygotes.

Submissions (5):

ARUP Laboratories, Molecular Genetics and Genomics, ARUP Laboratories
Classification: Uncertain significance. Last evaluated: 2023-11-27. Review status: criteria provided, single submitter. Criteria: ARUP Molecular Germline Variant Investigation Process 2024. Collection method: clinical testing. Allele origin: germline.
Comment: The FAT4 c.10744C>G; p.Leu3582Val variant (rs751277769), to our knowledge, is not reported in the medical literature but is reported in ClinVar (Variation ID: 1303310). This variant is observed in the general population with an overall allele frequency of 0.004% (10/282094 alleles) in the Genome Aggregation Database (v2.1.1). Computational analyses are uncertain whether this variant is neutral or deleterious (REVEL: 0.313). Due to limited information, the clinical significance of this variant is uncertain at this time.

Ambry Genetics
Classification: Uncertain significance for Inborn genetic diseases. Last evaluated: 2022-09-06. Review status: criteria provided, single submitter. Criteria: Ambry Variant Classification Scheme 2023. Collection method: clinical testing. Allele origin: germline.

Labcorp Genetics (formerly Invitae), Labcorp
Classification: Uncertain significance. Last evaluated: 2022-07-19. Review status: criteria provided, single submitter. Criteria: Invitae Variant Classification Sherloc (09022015). Collection method: clinical testing. Allele origin: germline.
Comment: This sequence change replaces leucine, which is neutral and non-polar, with valine, which is neutral and non-polar, at codon 3582 of the FAT4 protein (p.Leu3582Val). This variant is present in population databases (rs751277769, gnomAD 0.02%). This variant has not been reported in the literature in individuals affected with FAT4-related conditions. ClinVar contains an entry for this variant (Variation ID: 1303310). Advanced modeling of protein sequence and biophysical properties (such as structural, functional, and spatial information, amino acid conservation, physicochemical variation, residue mobility, and thermodynamic stability) performed at Invitae indicates that this missense variant is not expected to disrupt FAT4 protein function. In summary, the available evidence is currently insufficient to determine the role of this variant in disease. Therefore, it has been classified as a Variant of Uncertain Significance.

Blueprint Genetics
Classification: Uncertain significance. Last evaluated: 2021-08-20. Review status: criteria provided, single submitter. Criteria: ACMG Guidelines, 2015. Collection method: clinical testing. Allele origin: germline.

GeneDx
Classification: Uncertain significance. Last evaluated: 2019-07-19. Review status: criteria provided, single submitter. Criteria: GeneDx Variant Classification Process June 2021. Collection method: clinical testing. Allele origin: germline. Affected: yes.
Comment: In silico analysis, which includes protein predictors and evolutionary conservation, supports that this variant does not alter protein structure/function; Has not been previously published as pathogenic or benign to our knowledge